The following is an entry in ClinVar:

NM_003906.5(MCM3AP):c.2580G>A (p.Gln860=)

Gene: MCM3AP (minichromosome maintenance complex component 3 associated protein; minus strand). Cytogenetic location: 21q22.3.
Variant type: single nucleotide variant.
Coding change: c.2580G>A on transcript NM_003906.5 (MANE Select); coding-DNA position 2580, G replaced by A.
Protein change: p.Gln860=; no amino-acid change (glutamine 860 retained).
Molecular consequence: synonymous variant.
Genome position (GRCh38, 1-based): chr21:46,270,449, C>T on the plus strand (G>A on the coding strand, the complement: MCM3AP is on the minus strand). VCF-style: chr21-46270449-C-T. GRCh37 (hg19) VCF-style: chr21-47690363-C-T.
Identifiers: ClinVar variation 2652820 (VCV002652820.27), dbSNP rs199778611, ClinGen allele CA321987370.

ClinVar aggregate classification (germline): Likely benign. Review status: criteria provided, multiple submitters, no conflicts (2 of 4 stars). 2 submissions from 2 submitters: Likely benign (2). Last evaluated 2025-08-01.

Allele frequency attached by ClinVar (database versions not stated): gnomAD exomes 0.00001.
gnomAD v4.1: 12 of 1,614,004 alleles (0.00074%); highest among the groups gnomAD compares: Non-Finnish European, 0.001%; no homozygotes.

Submissions (2):

CeGaT Center for Human Genetics Tuebingen
Classification: Likely benign. Last evaluated: 2025-08-01. Review status: criteria provided, single submitter. Criteria: CeGaT Center For Human Genetics Tuebingen Variant Classification Criteria Version 2. Collection method: clinical testing. Allele origin: germline. Affected: yes. Observed: 2 variant alleles.
Comment: MCM3AP: BP4, BP7

Labcorp Genetics (formerly Invitae), Labcorp
Classification: Likely benign. Last evaluated: 2024-10-05. Review status: criteria provided, single submitter. Criteria: Invitae Variant Classification Sherloc (09022015). Collection method: clinical testing. Allele origin: germline.